The following is an entry in ClinVar:

NM_153033.5(KCTD7):c.428A>G (p.Asn143Ser)

Gene: KCTD7 (potassium channel tetramerization domain containing 7; plus strand). Cytogenetic location: 7q11.21.
Variant type: single nucleotide variant.
Coding change: c.428A>G on transcript NM_153033.5 (MANE Select); coding-DNA position 428, A replaced by G.
Protein change: p.Asn143Ser; replaces asparagine 143 with serine.
Molecular consequence: missense variant.
Genome position (GRCh38, 1-based): chr7:66,638,366, A>G. VCF-style: chr7-66638366-A-G. GRCh37 (hg19) VCF-style: chr7-66103353-A-G.
Other names: c.428A>G, p.Asn143Ser (NM_001167961.2); short protein forms N143S.
Identifiers: ClinVar variation 1438925 (VCV001438925.6), dbSNP rs1786634540, ClinGen allele CA367696379.

ClinVar aggregate classification (germline): Uncertain significance (1 of 4 stars; one submission).

Conditions:
Progressive myoclonic epilepsy type 3. Also called: KCTD7-Related Progressive Myoclonic Epilepsy; EPILEPSY, PROGRESSIVE MYOCLONIC, 3, WITH OR WITHOUT INTRACELLULAR INCLUSIONS; CEROID LIPOFUSCINOSIS, NEURONAL, 14; EPILEPSY, PROGRESSIVE MYOCLONIC, 3, WITHOUT INTRACELLULAR INCLUSIONS. Identifiers: Orphanet 263516, MedGen C2673257, MONDO:0012721, OMIM 611726.

Allele frequency attached by ClinVar (database versions not stated): gnomAD exomes below 0.00001.
gnomAD v4.1: 1 of 1,614,246 alleles (0.000062%); highest among the groups gnomAD compares: Admixed American, 0.0017%; no homozygotes.

Submission:

Labcorp Genetics (formerly Invitae), Labcorp
Classification: Uncertain significance for Progressive myoclonic epilepsy type 3. Last evaluated: 2021-08-12. Review status: criteria provided, single submitter. Criteria: Invitae Variant Classification Sherloc (09022015). Collection method: clinical testing. Allele origin: germline.
Comment: Algorithms developed to predict the effect of missense changes on protein structure and function (SIFT, PolyPhen-2, Align-GVGD) all suggest that this variant is likely to be tolerated. In summary, the available evidence is currently insufficient to determine the role of this variant in disease. Therefore, it has been classified as a Variant of Uncertain Significance. This variant has not been reported in the literature in individuals affected with KCTD7-related conditions. This variant is not present in population databases (ExAC no frequency). This sequence change replaces asparagine with serine at codon 143 of the KCTD7 protein (p.Asn143Ser). The asparagine residue is moderately conserved and there is a small physicochemical difference between asparagine and serine.